The following is an entry in ClinVar:

NM_015021.3(ZNF292):c.5901C>G (p.His1967Gln)

Gene: ZNF292 (zinc finger protein 292; plus strand). Cytogenetic location: 6q14.3.
Variant type: single nucleotide variant.
Coding change: c.5901C>G on transcript NM_015021.3 (MANE Select); coding-DNA position 5901, C replaced by G.
Protein change: p.His1967Gln; replaces histidine 1967 with glutamine.
Molecular consequence: missense variant.
Genome position (GRCh38, 1-based): chr6:87,259,530, C>G. VCF-style: chr6-87259530-C-G. GRCh37 (hg19) VCF-style: chr6-87969248-C-G.
Other names: c.5481C>G, p.His1827Gln (NM_001351444.2); short protein forms H1967Q, H1827Q.
Identifiers: ClinVar variation 3475138 (VCV003475138.1).

ClinVar aggregate classification (germline): Uncertain significance (1 of 4 stars; one submission).

Conditions:
Inborn genetic diseases. Identifiers: MedGen C0950123, MeSH D030342.

Submission:

Ambry Genetics
Classification: Uncertain significance for Inborn genetic diseases. Last evaluated: 2024-08-30. Review status: criteria provided, single submitter. Criteria: Ambry Variant Classification Scheme 2023. Collection method: clinical testing. Allele origin: germline.
Comment: The c.5901C>G (p.H1967Q) alteration is located in exon 8 (coding exon 8) of the ZNF292 gene. This alteration results from a C to G substitution at nucleotide position 5901, causing the histidine (H) at amino acid position 1967 to be replaced by a glutamine (Q). This variant was not reported in population-based cohorts in the Genome Aggregation Database (gnomAD). This amino acid position is highly conserved in available vertebrate species. This alteration is predicted to be deleterious by in silico analysis. Based on insufficient or conflicting evidence, the clinical significance of this alteration remains unclear.